The following is an entry in ClinVar:

NM_016169.4(SUFU):c.452C>T (p.Ser151Leu)

Gene: SUFU (SUFU negative regulator of hedgehog signaling; plus strand). Cytogenetic location: 10q24.32.
Variant type: single nucleotide variant.
Coding change: c.452C>T on transcript NM_016169.4 (MANE Select); coding-DNA position 452, C replaced by T.
Protein change: p.Ser151Leu; replaces serine 151 with leucine.
Molecular consequence: missense variant.
Genome position (GRCh38, 1-based): chr10:102,550,104, C>T. VCF-style: chr10-102550104-C-T. GRCh37 (hg19) VCF-style: chr10-104309861-C-T.
Other names: c.452C>T, p.Ser151Leu (NM_001178133.2); short protein forms S151L.
Identifiers: ClinVar variation 5030353 (VCV005030353.1).
Genomic context (GRCh38, chr10:102,550,104, plus strand): 5'-CTGCCCCACCAACATGGCCCGCAGAGTTAATGCAGGGCTTGGCACGATACGTGTTCCAGT[C>T]AGGTAGGAGGCCAGGGCTGGCTGCTGTGCTGGTCCTTTTGCCATGAGCCTGGTTGACTTT-3'
Protein context (NP_057253.2, residues 141-161): MQGLARYVFQ[Ser151Leu]ENTFCSGDHV

ClinVar aggregate classification (germline): Uncertain significance (1 of 4 stars; one submission).

Conditions:
Hereditary cancer-predisposing syndrome. Also called: Neoplastic Syndromes, Hereditary; Tumor predisposition; Hereditary neoplastic syndrome; Hereditary Cancer Syndrome. Identifiers: Orphanet 140162, MedGen C0027672, MeSH D009386, MONDO:0015356.

Submission:

Ambry Genetics
Classification: Uncertain significance for Hereditary cancer-predisposing syndrome. Last evaluated: 2026-07-06. Review status: criteria provided, single submitter. Criteria: Ambry Variant Classification Scheme 2023. Collection method: clinical testing. Allele origin: germline.
Comment: The p.S151L variant (also known as c.452C>T), located in coding exon 3 of the SUFU gene, results from a C to T substitution at nucleotide position 452. The serine at codon 151 is replaced by leucine, an amino acid with dissimilar properties. This amino acid position is conserved. In addition, this alteration is predicted to be deleterious by in silico analysis. Based on the available evidence, the clinical significance of this variant remains unclear.